The following is an entry in ClinVar:

ClinVar aggregate classification (germline): Uncertain significance. Review status: criteria provided, multiple submitters, no conflicts (2 of 4 stars). 2 submissions from 2 submitters: Uncertain significance (2). Last evaluated 2024-02-17.

Conditions:
Neuroblastoma, susceptibility to, 3. Also called: ALK-Related Neuroblastic Tumor Susceptibility. Identifiers: Orphanet 635, MedGen C2751681, MONDO:0013083, OMIM 613014.

Submissions (2):

Labcorp Genetics (formerly Invitae), Labcorp
Classification: Uncertain significance for Neuroblastoma, susceptibility to, 3. Last evaluated: 2024-02-17. Review status: criteria provided, single submitter. Criteria: Invitae Variant Classification Sherloc (09022015). Collection method: clinical testing. Allele origin: germline.
Comment: This sequence change replaces proline, which is neutral and non-polar, with alanine, which is neutral and non-polar, at codon 381 of the ALK protein (p.Pro381Ala). This variant is not present in population databases (gnomAD no frequency). This variant has not been reported in the literature in individuals affected with ALK-related conditions. ClinVar contains an entry for this variant (Variation ID: 1024906). An algorithm developed to predict the effect of missense changes on protein structure and function (PolyPhen-2) suggests that this variant is likely to be tolerated. In summary, the available evidence is currently insufficient to determine the role of this variant in disease. Therefore, it has been classified as a Variant of Uncertain Significance.

Baylor Genetics
Classification: Uncertain significance for Neuroblastoma, susceptibility to, 3. Last evaluated: 2023-05-26. Review status: criteria provided, single submitter. Criteria: ACMG Guidelines, 2015. Collection method: clinical testing. Allele origin: unknown.

NM_004304.5(ALK):c.1141C>G (p.Pro381Ala)

Gene: ALK (ALK receptor tyrosine kinase; minus strand). Cytogenetic location: 2p23.2.
Variant type: single nucleotide variant.
Coding change: c.1141C>G on transcript NM_004304.5 (MANE Select); coding-DNA position 1141, C replaced by G.
Protein change: p.Pro381Ala; replaces proline 381 with alanine.
Molecular consequence: missense variant.
Genome position (GRCh38, 1-based): chr2:29,531,928, G>C on the plus strand (C>G on the coding strand, the complement: ALK is on the minus strand). VCF-style: chr2-29531928-G-C. GRCh37 (hg19) VCF-style: chr2-29754794-G-C.
Other names: short protein forms P381A.
Identifiers: ClinVar variation 1024906 (VCV001024906.9), dbSNP rs1451908328, ClinGen allele CA346587189.